The following is an entry in ClinVar:

NM_000096.4(CP):c.146+1G>A

Gene: CP (ceruloplasmin; minus strand). Cytogenetic location: 3q25.1.
Variant type: single nucleotide variant.
Coding change: c.146+1G>A on transcript NM_000096.4 (MANE Select); the canonical splice donor site of the intron after coding-DNA position 146, G replaced by A.
Molecular consequence: splice donor variant.
Genome position (GRCh38, 1-based): chr3:149,221,646, C>T on the plus strand (G>A on the coding strand, the complement: CP is on the minus strand). VCF-style: chr3-149221646-C-T. GRCh37 (hg19) VCF-style: chr3-148939433-C-T.
Other names: c.146+1G>A.
Identifiers: ClinVar variation 42135 (VCV000042135.4), dbSNP rs386134134, ClinGen allele CA344593.
Genomic context (GRCh38, chr3:149,221,646, plus strand): 5'-GCTCTATCCTTTAAAAATAACTTAAAATTTTGGTCTATAAACAATAAAAATAGTGACTTA[C>T]GTGTCAACAGAAATAAGTTTCTTTTCCCCATGGTCAGAGGCATAATCCCAAGTCGTTTCA-3'

ClinVar aggregate classification (germline): Pathogenic. Review status: criteria provided, single submitter (1 of 4 stars). 2 submissions from 2 submitters: Pathogenic (1). 1 of the submissions does not count toward it. Last evaluated 2024-07-03.

Conditions:
Deficiency of ferroxidase (ACEP). Also called: Deficiency of ceruloplasmin; Aceruloplasminemia; Ceruloplasmin deficiency; Familial apoceruloplasmin deficiency; Hereditary ceruloplasmin deficiency; NEURODEGENERATION WITH BRAIN IRON ACCUMULATION 10. Identifiers: Orphanet 48818, MedGen C0878682, MONDO:0011426, OMIM 604290, HP:0025498.

gnomAD v4.1: 16 of 1,611,470 alleles (0.00099%); highest among the groups gnomAD compares: East Asian, 0.0022%; no homozygotes.

Submissions (2):

GeneDx
Classification: Pathogenic. Last evaluated: 2024-07-03. Review status: criteria provided, single submitter. Criteria: GeneDx Variant Classification Process June 2021. Collection method: clinical testing. Allele origin: germline. Affected: yes.
Comment: Identified in patients with aceruloplasminemia in published literature; this includes one homozgous patient and one patient with c.146+1G>A and a second CP variant but phase was not known (PMID: 34670377); Canonical splice site variant predicted to result in a null allele in a gene for which loss of function is a known mechanism of disease; Not observed at significant frequency in large population cohorts (gnomAD); This variant is associated with the following publications: (PMID: 14742624, 34670377)

GeneReviews
Classification: Pathogenic for Aceruloplasminemia. Last evaluated: 2013-04-18. Review status: no assertion criteria provided. Collection method: curation. Allele origin: unknown. Not counted in ClinVar's aggregate classification.
ClinVar note: Converted during submission from pathologic to Pathogenic.